The following is an entry in ClinVar:

ClinVar aggregate classification (germline): Uncertain significance (1 of 4 stars; one submission).

Submission:

Labcorp Genetics (formerly Invitae), Labcorp
Classification: Uncertain significance. Last evaluated: 2022-04-01. Review status: criteria provided, single submitter. Criteria: Invitae Variant Classification Sherloc (09022015). Collection method: clinical testing. Allele origin: germline.
Comment: This sequence change falls in intron 2 of the NDUFAF3 gene. It does not directly change the encoded amino acid sequence of the NDUFAF3 protein. This variant is not present in population databases (gnomAD no frequency). This variant has not been reported in the literature in individuals affected with NDUFAF3-related conditions. Algorithms developed to predict the effect of sequence changes on RNA splicing suggest that this variant may create or strengthen a splice site. In summary, the available evidence is currently insufficient to determine the role of this variant in disease. Therefore, it has been classified as a Variant of Uncertain Significance.

NM_199069.2(NDUFAF3):c.271-8del

Gene: NDUFAF3 (NADH:ubiquinone oxidoreductase complex assembly factor 3; plus strand). Cytogenetic location: 3p21.31.
Variant type: Deletion.
Coding change: c.271-8del on transcript NM_199069.2 (MANE Select); 8 bases into the intron before coding-DNA position 271, one base deleted (C; older notation c.271-8delC).
Molecular consequence: intron variant.
Genome position (GRCh38, 1-based): chr3:49,022,694, C deleted; the last of 3 consecutive C bases (chr3:49,022,692-49,022,694); deleting any one gives the same sequence. VCF-style (leftmost placement, unchanged base first): chr3-49022691-TC-T. GRCh37 (hg19) VCF-style: chr3-49060124-TC-T.
Other names: c.100-8del (NM_199074.2, NM_199073.2, NM_199070.2).
Identifiers: ClinVar variation 1964190 (VCV001964190.5), dbSNP rs2471620489, ClinGen allele CA2580069980.